The following is an entry in ClinVar:

ClinVar aggregate classification (germline): Uncertain significance. Review status: criteria provided, multiple submitters, no conflicts (2 of 4 stars). 2 submissions from 2 submitters: Uncertain significance (2). Last evaluated 2025-09-15.

Allele frequency attached by ClinVar (database versions not stated): ExAC 0.00001.

Submissions (2):

Women's Health and Genetics/Laboratory Corporation of America, LabCorp
Classification: Uncertain significance. Last evaluated: 2025-09-15. Review status: criteria provided, single submitter. Criteria: LabCorp Variant Classification Summary - May 2015. Collection method: clinical testing. Allele origin: germline.
Comment: Variant summary: STAR c.743A>G (p.Lys248Arg) results in a conservative amino acid change in the encoded protein sequence. Algorithms developed to predict the effect of missense changes on protein structure and function are either unavailable or do not agree on the potential impact of this missense change. Several computational tools predict a significant impact on normal splicing: Four predict the variant abolishes a 5' splicing donor site. However, these predictions have yet to be confirmed by functional studies. The variant allele was found at a frequency of 8e-06 in 251468 control chromosomes (gnomAD). The available data on variant occurrences in the general population are insufficient to allow any conclusion about variant significance. To our knowledge, no occurrence of c.743A>G in individuals affected with STAR-related conditions and no experimental evidence demonstrating its impact on protein function have been reported. ClinVar contains an entry for this variant (Variation ID: 2014844). Based on the evidence outlined above, the variant was classified as uncertain significance.

Labcorp Genetics (formerly Invitae), Labcorp
Classification: Uncertain significance. Last evaluated: 2022-07-07. Review status: criteria provided, single submitter. Criteria: Invitae Variant Classification Sherloc (09022015). Collection method: clinical testing. Allele origin: germline.
Comment: This sequence change replaces lysine, which is basic and polar, with arginine, which is basic and polar, at codon 248 of the STAR protein (p.Lys248Arg). This variant is present in population databases (rs750251379, gnomAD 0.006%). This variant has not been reported in the literature in individuals affected with STAR-related conditions. Algorithms developed to predict the effect of missense changes on protein structure and function (SIFT, PolyPhen-2, Align-GVGD) all suggest that this variant is likely to be disruptive. Algorithms developed to predict the effect of sequence changes on RNA splicing suggest that this variant may disrupt the consensus splice site. In summary, the available evidence is currently insufficient to determine the role of this variant in disease. Therefore, it has been classified as a Variant of Uncertain Significance.

NM_000349.3(STAR):c.743A>G (p.Lys248Arg)

Gene: STAR (steroidogenic acute regulatory protein; minus strand). Cytogenetic location: 8p11.23.
Variant type: single nucleotide variant.
Coding change: c.743A>G on transcript NM_000349.3 (MANE Select); coding-DNA position 743, A replaced by G.
Protein change: p.Lys248Arg; replaces lysine 248 with arginine.
Molecular consequence: missense variant.
Genome position (GRCh38, 1-based): chr8:38,145,223, T>C on the plus strand (A>G on the coding strand, the complement: STAR is on the minus strand). VCF-style: chr8-38145223-T-C. GRCh37 (hg19) VCF-style: chr8-38002741-T-C.
Other names: short protein forms K248R.
Identifiers: ClinVar variation 2014844 (VCV002014844.2), dbSNP rs750251379, ClinGen allele CA4715149.